The following is an entry in ClinVar:

NM_000540.3(RYR1):c.5921G>A (p.Arg1974Gln)

Gene: RYR1 (ryanodine receptor 1; plus strand). Cytogenetic location: 19q13.2.
Variant type: single nucleotide variant.
Coding change: c.5921G>A on transcript NM_000540.3 (MANE Select); coding-DNA position 5921, G replaced by A.
Protein change: p.Arg1974Gln; replaces arginine 1974 with glutamine.
Molecular consequence: missense variant.
Genome position (GRCh38, 1-based): chr19:38,490,182, G>A. VCF-style: chr19-38490182-G-A. GRCh37 (hg19) VCF-style: chr19-38980822-G-A.
Other names: c.5921G>A, p.Arg1974Gln (NM_001042723.2); short protein forms R1974Q.
Identifiers: ClinVar variation 329042 (VCV000329042.14), dbSNP rs748907487, ClinGen allele CA067554.

ClinVar aggregate classification (germline): Uncertain significance. Review status: criteria provided, multiple submitters, no conflicts (2 of 4 stars). 7 submissions from 5 submitters: Uncertain significance (7). Last evaluated 2023-11-08.

Conditions:
RYR1-related disorder. Also called: RYR1-related disorders; RYR1-related condition. Identifiers: MedGen CN239331.
Congenital multicore myopathy with external ophthalmoplegia (CMYO1B). Also called: MULTIMINICORE DISEASE WITH EXTERNAL OPHTHALMOPLEGIA; MULTICORE MYOPATHY; Congenital myopathy 1B, autosomal recessive; Minicore myopathy; Minicore myopathy with external ophthalmoplegia. Identifiers: Orphanet 598, Orphanet 98905, MedGen C1850674, MONDO:0009712, OMIM 255320, HP:0003789.
Central core myopathy (CMYO1A). Also called: CONGENITAL MYOPATHY 1A, AUTOSOMAL DOMINANT, WITH SUSCEPTIBILITY TO MALIGNANT HYPERTHERMIA; Central core disease; Myopathy, central fibrillar. Identifiers: Orphanet 597, MedGen C5830701, MONDO:0007294, OMIM 117000.
Malignant hyperthermia, susceptibility to, 1 (MHS1). Also called: Anesthesia related hyperthermia; Malignant hyperpyrexia; Fulminating hyperpyrexia; Pharmacogenic myopathy; RYR1-Related Malignant Hyperthermia Susceptibility; Malignant hyperthermia suceptibility 1. Identifiers: Orphanet 423, MedGen C2930980, MONDO:0007783, OMIM 145600.

Allele frequency attached by ClinVar (database versions not stated): ExAC 0.00001; gnomAD exomes 0.00002 and 0.00005; TOPMed 0.00004; gnomAD 0.00006.
gnomAD v4.1: 80 of 1,614,114 alleles (0.005%); highest among the groups gnomAD compares: South Asian, 0.011%; no homozygotes.

Submissions (7):

Color Diagnostics, LLC DBA Color Health
Classification: Uncertain significance for Malignant hyperthermia, susceptibility to, 1. Last evaluated: 2023-11-08. Review status: criteria provided, single submitter. Criteria: ACMG Guidelines, 2015. Collection method: clinical testing. Allele origin: germline.
Comment: This missense variant replaces arginine with glutamine at codon 1974 of the RYR1 protein. Computational prediction suggests that this variant may not impact protein structure and function. To our knowledge, functional studies have not been reported for this variant. This variant has not been reported in individuals affected with RYR1-related disorders in the literature. This variant has been identified in 5/251352 chromosomes in the general population by the Genome Aggregation Database (gnomAD). The available evidence is insufficient to determine the role of this variant in disease conclusively. Therefore, this variant is classified as a Variant of Uncertain Significance.

Blueprint Genetics
Classification: Uncertain significance. Last evaluated: 2023-02-06. Review status: criteria provided, single submitter. Criteria: ACMG Guidelines, 2015. Collection method: clinical testing. Allele origin: germline.

Labcorp Genetics (formerly Invitae), Labcorp
Classification: Uncertain significance for RYR1-related disorder. Last evaluated: 2022-07-10. Review status: criteria provided, single submitter. Criteria: Invitae Variant Classification Sherloc (09022015). Collection method: clinical testing. Allele origin: germline.
Comment: This sequence change replaces arginine, which is basic and polar, with glutamine, which is neutral and polar, at codon 1974 of the RYR1 protein (p.Arg1974Gln). This variant is present in population databases (rs748907487, gnomAD 0.004%). This missense change has been observed in individual(s) with familial acute myeloid leukemia and myelodysplastic syndrome (PMID: 32098966). ClinVar contains an entry for this variant (Variation ID: 329042). Advanced modeling of protein sequence and biophysical properties (such as structural, functional, and spatial information, amino acid conservation, physicochemical variation, residue mobility, and thermodynamic stability) performed at Invitae indicates that this missense variant is not expected to disrupt RYR1 protein function. In summary, the available evidence is currently insufficient to determine the role of this variant in disease. Therefore, it has been classified as a Variant of Uncertain Significance.

Revvity Omics, Revvity
Classification: Uncertain significance. Last evaluated: 2022-05-12. Review status: criteria provided, single submitter. Criteria: ACMG Guidelines, 2015. Collection method: clinical testing. Allele origin: germline.

Illumina Laboratory Services, Illumina
Classification: Uncertain significance for Congenital multicore myopathy with external ophthalmoplegia. Last evaluated: 2018-01-12. Review status: criteria provided, single submitter. Criteria: ICSL Variant Classification Criteria 13 December 2019. Collection method: clinical testing. Allele origin: germline.

Illumina Laboratory Services, Illumina
Classification: Uncertain significance for Malignant hyperthermia, susceptibility to, 1. Last evaluated: 2018-01-12. Review status: criteria provided, single submitter. Criteria: ICSL Variant Classification Criteria 13 December 2019. Collection method: clinical testing. Allele origin: germline.

Illumina Laboratory Services, Illumina
Classification: Uncertain significance for Central core myopathy. Last evaluated: 2018-01-12. Review status: criteria provided, single submitter. Criteria: ICSL Variant Classification Criteria 13 December 2019. Collection method: clinical testing. Allele origin: germline.

Literature cited by the submitters: PubMed 32098966 (cited by Labcorp Genetics (formerly Invitae), Labcorp).